The following is an entry in ClinVar:

ClinVar aggregate classification (germline): Uncertain significance. Review status: criteria provided, multiple submitters, no conflicts (2 of 4 stars). 4 submissions from 4 submitters: Uncertain significance (4). Last evaluated 2025-02-13.

Conditions:
Inborn genetic diseases. Identifiers: MedGen C0950123, MeSH D030342.
Haim-Munk syndrome (HMS). Also called: KERATOSIS PALMOPLANTARIS WITH PERIODONTOPATHIA AND ONYCHOGRYPOSIS; COCHIN JEWISH DISORDER. Identifiers: Orphanet 2342, MedGen C1855627, MONDO:0009491, OMIM 245010.
Periodontitis, aggressive. Identifiers: MedGen C0031106, MONDO:0980757.
Papillon-Lefèvre syndrome (PALS). Also called: Papillon-Lefevre Disease; KERATOSIS PALMOPLANTARIS WITH PERIODONTOPATHIA. Identifiers: Orphanet 678, MedGen C0030360, MONDO:0009490, OMIM 245000.

Allele frequency attached by ClinVar (database versions not stated): gnomAD 0.00001; TOPMed 0.00001; ExAC 0.00002.
gnomAD v4.1: 20 of 1,613,828 alleles (0.0012%); highest among the groups gnomAD compares: Non-Finnish European, 0.0017%; no homozygotes.

Submissions (4):

Ambry Genetics
Classification: Uncertain significance for Inborn genetic diseases. Last evaluated: 2025-02-13. Review status: criteria provided, single submitter. Criteria: Ambry Variant Classification Scheme 2023. Collection method: clinical testing. Allele origin: germline.

Blueprint Genetics
Classification: Uncertain significance. Last evaluated: 2024-11-21. Review status: criteria provided, single submitter. Criteria: ACMG Guidelines, 2015. Collection method: clinical testing. Allele origin: germline.

GeneDx
Classification: Uncertain significance. Last evaluated: 2024-06-08. Review status: criteria provided, single submitter. Criteria: GeneDx Variant Classification Process June 2021. Collection method: clinical testing. Allele origin: germline. Affected: yes.
Comment: In silico analysis supports that this missense variant has a deleterious effect on protein structure/function; Has not been previously published as pathogenic or benign to our knowledge

Labcorp Genetics (formerly Invitae), Labcorp
Classification: Uncertain significance for Haim-Munk syndrome; Periodontitis, aggressive; Papillon-Lefèvre syndrome. Last evaluated: 2021-08-27. Review status: criteria provided, single submitter. Criteria: Invitae Variant Classification Sherloc (09022015). Collection method: clinical testing. Allele origin: germline.

NM_001814.6(CTSC):c.1317C>G (p.Phe439Leu)

Gene: CTSC (cathepsin C; minus strand). Cytogenetic location: 11q14.2.
Variant type: single nucleotide variant.
Coding change: c.1317C>G on transcript NM_001814.6 (MANE Select); coding-DNA position 1317, C replaced by G.
Protein change: p.Phe439Leu; replaces phenylalanine 439 with leucine.
Molecular consequence: missense variant.
Genome position (GRCh38, 1-based): chr11:88,294,081, G>C on the plus strand (C>G on the coding strand, the complement: CTSC is on the minus strand). VCF-style: chr11-88294081-G-C. GRCh37 (hg19) VCF-style: chr11-88027249-G-C.
Other names: c.1317C>G (NM_001814.4); short protein forms F439L.
Identifiers: ClinVar variation 1051360 (VCV001051360.7), dbSNP rs755360200, ClinGen allele CA6219731.